The following is an entry in ClinVar:

ClinVar aggregate classification (germline): Uncertain significance (1 of 4 stars; one submission).

Conditions:
Alpha thalassemia-X-linked intellectual disability syndrome (ATRX). Also called: ALPHA-THALASSEMIA/MENTAL RETARDATION SYNDROME, X-LINKED; ATR, NONDELETION TYPE; ATR-X syndrome; Alpha thalassemia mental retardation syndrome, nondeletion type, X-linked; XLMR hypotonic face syndrome; X-linked alpha-thalassemia-mental retardation syndrome. Identifiers: Orphanet 847, MedGen C1845055, MONDO:0010519, OMIM 301040.

Submission:

Labcorp Genetics (formerly Invitae), Labcorp
Classification: Uncertain significance for Alpha thalassemia-X-linked intellectual disability syndrome. Last evaluated: 2025-10-03. Review status: criteria provided, single submitter. Criteria: Invitae Variant Classification Sherloc (09022015). Collection method: clinical testing. Allele origin: germline.
Comment: This sequence change replaces alanine, which is neutral and non-polar, with glutamic acid, which is acidic and polar, at codon 443 of the ATRX protein (p.Ala443Glu). This variant is not present in population databases (gnomAD no frequency). This variant has not been reported in the literature in individuals affected with ATRX-related conditions. Invitae Evidence Modeling of protein sequence and biophysical properties (such as structural, functional, and spatial information, amino acid conservation, physicochemical variation, residue mobility, and thermodynamic stability) indicates that this missense variant is not expected to disrupt ATRX protein function with a negative predictive value of 95%. In summary, the available evidence is currently insufficient to determine the role of this variant in disease. Therefore, it has been classified as a Variant of Uncertain Significance.

NM_000489.6(ATRX):c.1328C>A (p.Ala443Glu)

Gene: ATRX (ATRX chromatin remodeler; minus strand). Cytogenetic location: Xq21.1.
Variant type: single nucleotide variant.
Coding change: c.1328C>A on transcript NM_000489.6 (MANE Select); coding-DNA position 1328, C replaced by A.
Protein change: p.Ala443Glu; replaces alanine 443 with glutamic acid.
Molecular consequence: missense variant.
Genome position (GRCh38, 1-based): chrX:77,683,928, G>T on the plus strand (C>A on the coding strand, the complement: ATRX is on the minus strand). VCF-style: chrX-77683928-G-T. GRCh37 (hg19) VCF-style: chrX-76939420-G-T.
Other names: c.1214C>A, p.Ala405Glu (NM_138270.5); short protein forms A405E, A443E.
Identifiers: ClinVar variation 4801115 (VCV004801115.1).
Genomic context (GRCh38, chrX:77,683,928, plus strand): 5'-TTAGCTTCTGACTTTGAAATATCCTTCTTTTCCAAAGCACAAGGTTTTTCTCCTTTTCGT[G>T]CTTTTGTTTCAAACTTAGCATCTATGACTTTATGCTCTTTGGTATTTTTCTCTTTGTTTA-3'
Protein context (NP_000480.3, residues 433-453): KVIDAKFETK[Ala443Glu]RKGEKPCALE